The following is an entry in ClinVar:

ClinVar aggregate classification (germline): Likely benign. Review status: criteria provided, multiple submitters, no conflicts (2 of 4 stars). 2 submissions from 2 submitters: Likely benign (2). Last evaluated 2025-09-25.

Submissions (2):

Labcorp Genetics (formerly Invitae), Labcorp
Classification: Likely benign. Last evaluated: 2025-09-25. Review status: criteria provided, single submitter. Criteria: Invitae Variant Classification Sherloc (09022015). Collection method: clinical testing. Allele origin: germline.

CeGaT Center for Human Genetics Tuebingen
Classification: Likely benign. Last evaluated: 2023-03-01. Review status: criteria provided, single submitter. Criteria: CeGaT Center For Human Genetics Tuebingen Variant Classification Criteria Version 2. Collection method: clinical testing. Allele origin: germline. Affected: yes. Observed: 1 variant allele.
Comment: WDR36: BS2

NM_139281.3(WDR36):c.1717-21_1717-20insATATATT

Gene: WDR36 (WD repeat domain 36; plus strand). Cytogenetic location: 5q22.1.
Variant type: Microsatellite.
Coding change: c.1717-21_1717-20insATATATT on transcript NM_139281.3 (MANE Select); 21 bases into the intron before coding-DNA position 1717 through 20 bases into the intron before coding-DNA position 1717, ATATATT inserted.
Molecular consequence: intron variant.
Genome position: GRCh38 VCF-style: chr5-111113052-A-ATATATAT. GRCh37 (hg19) VCF-style: chr5-110448751-A-ATATATAT.
Identifiers: ClinVar variation 2655631 (VCV002655631.27), dbSNP rs35527062.